The following is an entry in ClinVar:

NM_032603.5(LOXL3):c.544C>T (p.Leu182=)

Genes: LOXL3 (lysyl oxidase like 3; minus strand), DOK1 (docking protein 1; plus strand). Cytogenetic location: 2p13.1.
Variant type: single nucleotide variant.
Coding change: c.544C>T on transcript NM_032603.5 (MANE Select); coding-DNA position 544, C replaced by T.
Protein change: p.Leu182=; no amino-acid change (leucine 182 retained).
Molecular consequence: synonymous variant. On other transcripts: 5 prime UTR variant (1), intron variant (2).
Genome position (GRCh38, 1-based): chr2:74,549,517, G>A on the plus strand (C>T on the coding strand, the complement: LOXL3 is on the minus strand). VCF-style: chr2-74549517-G-A. GRCh37 (hg19) VCF-style: chr2-74776644-G-A.
Other names: c.-320C>T (NM_001289165.2); c.477+668C>T (NM_001289164.3); c.-358+345G>A (NM_001197260.2).
Identifiers: ClinVar variation 1574690 (VCV001574690.10), dbSNP rs537721394, ClinGen allele CA1729141.
Genomic context (GRCh38, chr2:74,549,517, plus strand): 5'-CGCACACTTGCGACCAGCCGTCAGGAAGCCTGACTTCCACCAGCCCCTCCGTCACGGGCA[G>A]GGGTCGTCTGCCCCACCCAACGGCGGGTCGAATTCGCACCTCCTCCACTTGCAGGTGATG-3'
Protein context (NP_115992.1, residues 172-192): RPAVGWGRRP[Leu182=]PVTEGLVEVR

ClinVar aggregate classification (germline): Likely benign. Review status: criteria provided, single submitter (1 of 4 stars). 2 submissions from 2 submitters: Likely benign (1). 1 of the submissions does not count toward it. Last evaluated 2026-01-06.

Conditions:
LOXL3-related disorder. Also called: LOXL3-related condition.

Allele frequency attached by ClinVar (database versions not stated): ExAC 0.00004; gnomAD 0.00038 and 0.00040; TOPMed 0.00073; gnomAD exomes 0.00002 and 0.00005; 1000 Genomes Project 0.00040; 1000 Genomes Project 30x 0.00047.
gnomAD v4.1: 102 of 1,613,648 alleles (0.0063%); highest among the groups gnomAD compares: Admixed American, 0.13%; 2 homozygotes.

Submissions (2):

Labcorp Genetics (formerly Invitae), Labcorp
Classification: Likely benign. Last evaluated: 2026-01-06. Review status: criteria provided, single submitter. Criteria: Invitae Variant Classification Sherloc (09022015). Collection method: clinical testing. Allele origin: germline.

PreventionGenetics, part of Exact Sciences
Classification: Likely benign for LOXL3-related condition. Last evaluated: 2020-11-03. Review status: no assertion criteria provided. Collection method: clinical testing. Allele origin: germline. Not counted in ClinVar's aggregate classification.
Comment: This variant is classified as likely benign based on ACMG/AMP sequence variant interpretation guidelines (Richards et al. 2015 PMID: 25741868, with internal and published modifications).